The following is an entry in ClinVar:

NM_004614.5(TK2):c.122C>T (p.Pro41Leu)

Genes: TK2 (thymidine kinase 2; minus strand), LOC130059156 (ATAC-STARR-seq lymphoblastoid silent region 7560; plus strand). Cytogenetic location: 16q21.
Variant type: single nucleotide variant.
Coding change: c.122C>T on transcript NM_004614.5 (MANE Select); coding-DNA position 122, C replaced by T.
Protein change: p.Pro41Leu; replaces proline 41 with leucine.
Molecular consequence: missense variant. On other transcripts: 5 prime UTR variant (2), non-coding transcript variant (1), intron variant (2).
Genome position (GRCh38, 1-based): chr16:66,549,940, G>A on the plus strand (C>T on the coding strand, the complement: TK2 is on the minus strand). VCF-style: chr16-66549940-G-A. GRCh37 (hg19) VCF-style: chr16-66583843-G-A.
Other names: c.122C>T, p.Pro41Leu (NM_001172644.2, NM_001172645.2); c.-121C>T (NM_001271934.2); c.-531C>T (NM_001272050.2); c.31+313C>T (NM_001271935.1, NM_001172643.1); short protein forms P41L.
Identifiers: ClinVar variation 1425570 (VCV001425570.8), dbSNP rs201904720, ClinGen allele CA396193441.

ClinVar aggregate classification (germline): Uncertain significance (1 of 4 stars; one submission).

Submission:

Labcorp Genetics (formerly Invitae), Labcorp
Classification: Uncertain significance. Last evaluated: 2021-05-03. Review status: criteria provided, single submitter. Criteria: Invitae Variant Classification Sherloc (09022015). Collection method: clinical testing. Allele origin: germline.
Comment: Algorithms developed to predict the effect of missense changes on protein structure and function output the following: SIFT: "Tolerated"; PolyPhen-2: "Benign"; Align-GVGD: "Class C0". The leucine amino acid residue is found in multiple mammalian species, suggesting that this missense change does not adversely affect protein function. These predictions have not been confirmed by published functional studies and their clinical significance is uncertain. In summary, the available evidence is currently insufficient to determine the role of this variant in disease. Therefore, it has been classified as a Variant of Uncertain Significance. This variant has not been reported in the literature in individuals with TK2-related conditions. This sequence change replaces proline with leucine at codon 41 of the TK2 protein (p.Pro41Leu). The proline residue is weakly conserved and there is a moderate physicochemical difference between proline and leucine. The frequency data for this variant in the population databases is considered unreliable, as metrics indicate insufficient coverage at this position in the ExAC database.